The following is an entry in ClinVar:

ClinVar aggregate classification (germline): Likely benign. Review status: criteria provided, single submitter (1 of 4 stars). 2 submissions from 2 submitters: Likely benign (1). 1 of the submissions does not count toward it. Last evaluated 2022-07-02.

Conditions:
RPSA-related disorder. Also called: RPSA-related condition.

Allele frequency attached by ClinVar (database versions not stated): gnomAD 0.00001; TOPMed 0.00001; ExAC 0.00006; 1000 Genomes Project 30x 0.00016; 1000 Genomes Project 0.00020.
gnomAD v4.1: 31 of 1,269,908 alleles (0.0024%); highest among the groups gnomAD compares: East Asian, 0.067%; no homozygotes.

Submissions (3):

Labcorp Genetics (formerly Invitae), Labcorp
Classification: Likely benign. Last evaluated: 2022-07-02. Review status: criteria provided, single submitter. Criteria: Invitae Variant Classification Sherloc (09022015). Collection method: clinical testing. Allele origin: germline.

PreventionGenetics, part of Exact Sciences
Classification: Uncertain significance for RPSA-related condition. Last evaluated: 2024-06-01. Review status: no assertion criteria provided. Collection method: clinical testing. Allele origin: germline. Not counted in ClinVar's aggregate classification.
Comment: The RPSA c.267+1G>A variant is predicted to disrupt the GT donor site and interfere with normal splicing. Using the NM_001304288.1 transcript, this variant is predicted to alter splicing based on available splicing prediction programs (SpliceAI, Jaganathan et al. 2019. PubMed ID: 30661751). However, this variant corresponds to c.252+16G>A in the primary transcript for this gene (NM_002295.5), which is not predicted to alter splicing based on available splicing prediction programs (SpliceAI, Jaganathan et al. 2019. PubMed ID: 30661751). Limited splicing variants have been reproted in the RPSA gene. To our knowledge, the c.267+1G>A variant has not been reported in the literature and is reported in 0.049% of alleles in individuals of East Asian descent in gnomAD. At this time, the clinical significance of this variant is uncertain due to the absence of conclusive functional and genetic evidence.

Dr. Peter K. Rogan Lab, Western University
No classification provided (evidence only). Condition: Thyroid cancer, nonmedullary, 1. Review status: no classification provided. Collection method: in vitro. Allele origin: not applicable. Functional consequence: retained intron. Not counted in ClinVar's aggregate classification.

NM_002295.6(RPSA):c.252+16G>A

Gene: RPSA (ribosomal protein SA; plus strand). Cytogenetic location: 3p22.1.
Variant type: single nucleotide variant.
Coding change: c.252+16G>A on transcript NM_002295.6 (MANE Select); 16 bases into the intron after coding-DNA position 252, G replaced by A.
Molecular consequence: intron variant. On other transcripts: splice donor variant (1).
Genome position (GRCh38, 1-based): chr3:39,408,740, G>A. VCF-style: chr3-39408740-G-A. GRCh37 (hg19) VCF-style: chr3-39450231-G-A.
Other names: c.267+1G>A (NM_001304288.2, NM_001304288.1).
Identifiers: ClinVar variation 1918893 (VCV001918893.7), dbSNP rs190008375, ClinGen allele CA2327729.
Genomic context (GRCh38, chr3:39,408,740, plus strand): 5'-AACCCTGCTGATGTCAGTGTTATATCCTCCAGGAATACTGGCCAGGTTTGTGGAACAGTG[G>A]TTAGTTTTTATATTATAGAAATAAAGCTTACAGACATTGTGAGACATAGAAAGACATAAG-3'